The following is an entry in ClinVar:

NM_017780.4(CHD7):c.5437C>T (p.Pro1813Ser)

Gene: CHD7 (chromodomain helicase DNA binding protein 7; plus strand). Cytogenetic location: 8q12.2.
Variant type: single nucleotide variant.
Coding change: c.5437C>T on transcript NM_017780.4 (MANE Select); coding-DNA position 5437, C replaced by T.
Protein change: p.Pro1813Ser; replaces proline 1813 with serine.
Molecular consequence: missense variant. On other transcripts: intron variant (1).
Genome position (GRCh38, 1-based): chr8:60,850,525, C>T. VCF-style: chr8-60850525-C-T. GRCh37 (hg19) VCF-style: chr8-61763084-C-T.
Other names: c.1717-11704C>T (NM_001316690.1); short protein forms P1813S.
Identifiers: ClinVar variation 3719731 (VCV003719731.3).

ClinVar aggregate classification (germline): Uncertain significance. Review status: criteria provided, multiple submitters, no conflicts (2 of 4 stars). 2 submissions from 2 submitters: Uncertain significance (2). Last evaluated 2024-12-19.

Conditions:
CHARGE syndrome (CHARGE). Also called: Hittner Hirsch Kreh syndrome; CHARGE ASSOCIATION--COLOBOMA, HEART ANOMALY, CHOANAL ATRESIA, RETARDATION, GENITAL AND EAR ANOMALIES; Coloboma, heart anomaly, choanal atresia, retardation, genital and ear anomalies; CHARGE association; Hall-Hittner syndrome. Identifiers: Orphanet 138, MedGen C0265354, MONDO:0008965.

gnomAD v4.1: 1 of 1,613,668 alleles (0.000062%); highest among the groups gnomAD compares: Non-Finnish European, 0.000085%; no homozygotes.

Submissions (2):

Labcorp Genetics (formerly Invitae), Labcorp
Classification: Uncertain significance for CHARGE syndrome. Last evaluated: 2024-12-19. Review status: criteria provided, single submitter. Criteria: Invitae Variant Classification Sherloc (09022015). Collection method: clinical testing. Allele origin: germline.
Comment: This sequence change replaces proline, which is neutral and non-polar, with serine, which is neutral and polar, at codon 1813 of the CHD7 protein (p.Pro1813Ser). This variant is not present in population databases (gnomAD no frequency). This variant has not been reported in the literature in individuals affected with CHD7-related conditions. Invitae Evidence Modeling of protein sequence and biophysical properties (such as structural, functional, and spatial information, amino acid conservation, physicochemical variation, residue mobility, and thermodynamic stability) has been performed for this missense variant. However, the output from this modeling did not meet the statistical confidence thresholds required to predict the impact of this variant on CHD7 protein function. In summary, the available evidence is currently insufficient to determine the role of this variant in disease. Therefore, it has been classified as a Variant of Uncertain Significance.

Blueprint Genetics
Classification: Uncertain significance. Last evaluated: 2021-10-05. Review status: criteria provided, single submitter. Criteria: ACMG Guidelines, 2015. Collection method: clinical testing. Allele origin: germline.